The following is an entry in ClinVar:

ClinVar aggregate classification (germline): Uncertain significance. Review status: criteria provided, multiple submitters, no conflicts (2 of 4 stars). 2 submissions from 2 submitters: Uncertain significance (2). Last evaluated 2022-11-22.

Conditions:
Ariboflavinosis. Identifiers: MedGen C5779638, MONDO:0004573, OMIM 615026.
Maternal riboflavin deficiency. Identifiers: Orphanet 411712, MedGen C4750953, MONDO:0014013.

Submissions (2):

Labcorp Genetics (formerly Invitae), Labcorp
Classification: Uncertain significance for Vitamin B2 deficiency. Last evaluated: 2022-11-22. Review status: criteria provided, single submitter. Criteria: Invitae Variant Classification Sherloc (09022015). Collection method: clinical testing. Allele origin: germline.
Comment: This sequence change creates a premature translational stop signal (p.Pro183Leufs*18) in the SLC52A1 gene. It is expected to result in an absent or disrupted protein product. However, the current clinical and genetic evidence is not sufficient to establish whether loss-of-function variants in SLC52A1 cause disease. In summary, the available evidence is currently insufficient to determine the role of this variant in disease. Therefore, it has been classified as a Variant of Uncertain Significance. ClinVar contains an entry for this variant (Variation ID: 1422334). This variant has not been reported in the literature in individuals affected with SLC52A1-related conditions. This variant is present in population databases (no rsID available, gnomAD 0.01%).

Department of Pathology and Laboratory Medicine, Sinai Health System
Classification: Uncertain significance for maternal riboflavin deficiency. Last evaluated: 2022-11-01. Review status: criteria provided, single submitter. Criteria: ACMG Guidelines, 2015. Collection method: research. Allele origin: germline.

NM_017986.4(SLC52A1):c.546del (p.Pro183fs)

Gene: SLC52A1 (solute carrier family 52 member 1; minus strand). Cytogenetic location: 17p13.2.
Variant type: Deletion.
Coding change: c.546del on transcript NM_017986.4 (MANE Select); coding-DNA position 546, one base deleted (G; older notation c.546delG).
Protein change: p.Pro183fs; shifts the reading frame from proline 183.
Molecular consequence: frameshift variant.
Genome position (GRCh38, 1-based): chr17:5,033,943, C deleted on the plus strand (G on the coding strand, the reverse complement: SLC52A1 is on the minus strand); the first of 3 consecutive C bases (chr17:5,033,943-5,033,945); deleting any one gives the same sequence. VCF-style (leftmost placement, unchanged base first): chr17-5033942-GC-G. GRCh37 (hg19) VCF-style: chr17-4937237-GC-G.
Other names: c.546del, p.Pro183fs (NM_001104577.2); short protein forms P183fs.
Identifiers: ClinVar variation 1422334 (VCV001422334.5), dbSNP rs1567734870, ClinGen allele CA624857195.